The following is an entry in ClinVar:

ClinVar aggregate classification (germline): Pathogenic. Review status: criteria provided, multiple submitters, no conflicts (2 of 4 stars). 8 submissions from 8 submitters: Pathogenic (8). Last evaluated 2025-09-10.

Conditions:
COL7A1-related disorder. Also called: COL7A1- related disorders; COL7A1-related condition.
Recessive dystrophic epidermolysis bullosa (RDEB). Also called: epidermolysis bullosa dystrophica, autosomal recessive; Hallopeau-Siemens Disease; Epidermolysis Bullosa Distrophica Autosomal Recessive (RDEB); Recessive DEB (RDEB); severe generalized recessive dystrophic epidermolysis bullosa; DYSTROPHIC EPIDERMOLYSIS BULLOSA, AUTOSOMAL RECESSIVE. Identifiers: Orphanet 79408, Orphanet 79409, MedGen C0079474, MONDO:0009179, OMIM 226600.
Pretibial dystrophic epidermolysis bullosa. Also called: Pretibial epidermolysis bullosa; EPIDERMOLYSIS BULLOSA DYSTROPHICA, PRETIBIAL; Pretibial blistering. Identifiers: Orphanet 79410, MedGen C0432321, MONDO:0007552, OMIM 131850, HP:0012221.
Dominant dystrophic epidermolysis bullosa with absence of skin. Also called: EPIDERMOLYSIS BULLOSA WITH CONGENITAL LOCALIZED ABSENCE OF SKIN AND DEFORMITY OF NAILS; EPIDERMOLYSIS BULLOSA DYSTROPHICA, BART TYPE. Identifiers: MedGen C0268371, MONDO:0007557, OMIM 132000.
Epidermolysis bullosa pruriginosa. Also called: DEB, PRURIGINOSA; DYSTROPHIC EPIDERMOLYSIS BULLOSA PRURIGINOSA. Identifiers: Orphanet 89843, MedGen C1275114, MONDO:0011398, OMIM 604129.
Transient bullous dermolysis of the newborn (TBDN). Also called: DYSTROPHIC EPIDERMOLYSIS BULLOSA, NEONATAL; EPIDERMOLYSIS BULLOSA DYSTROPHICA, NEONATAL FORM. Identifiers: Orphanet 79411, MedGen C1851573, MONDO:0007548, OMIM 131705.
Nonsyndromic congenital nail disorder 8. Also called: TOENAIL DYSTROPHY, ISOLATED. Identifiers: MedGen C1843761, MONDO:0011852, OMIM 607523.
Generalized dominant dystrophic epidermolysis bullosa (DDEB). Also called: DDEB, generalized; DDEB-gen; DYSTROPHIC EPIDERMOLYSIS BULLOSA, AUTOSOMAL DOMINANT; Epidermolysis bullosa dystrophica, autosomal dominant; Dominant DEB (DDEB). Identifiers: Orphanet 231568, MedGen C0432322, MONDO:0007549, OMIM 131750.
Epidermolysis bullosa dystrophica. Also called: Dystrophic epidermolysis bullosa, Hallopeau-Siemens type (formerly); Dystrophic epidermolysis bullosa. Identifiers: Orphanet 303, MedGen C0079294, MONDO:0006543.

Allele frequency attached by ClinVar (database versions not stated): TOPMed 0.00001; gnomAD 0.00001.
gnomAD v4.1: 4 of 1,613,304 alleles (0.00025%); highest among the groups gnomAD compares: South Asian, 0.0022%; no homozygotes.

Submissions (8):

Genomic Medicine Center of Excellence, King Faisal Specialist Hospital and Research Centre
Classification: Pathogenic for Recessive dystrophic epidermolysis bullosa. Last evaluated: 2025-09-10. Review status: criteria provided, single submitter. Criteria: ACMG Guidelines, 2015. Collection method: clinical testing. Allele origin: germline.

Natera, Inc.
Classification: Pathogenic for Dystrophic epidermolysis bullosa. Last evaluated: 2025-08-25. Review status: criteria provided, single submitter. Criteria: Natera Variant Classification Schema (03/2026). Collection method: clinical testing. Allele origin: germline.
Comment: The c.7234C>T variant in COL7A1 is a nonsense variant predicted to introduce a stop codon at amino acid 2412. This variant is expected to result in nonsense mediated decay, truncation, or a dysfunctional protein product. This variant is rare in the general population with a frequency below the threshold expected for the associated phenotype(s). This variant has been observed in one or more individuals affected with the associated recessive disease, as either homozygous or compound heterozygous with a second variant (PMID: 32484238, 27899325). Given the available evidence, this variant is classified as Pathogenic.

PreventionGenetics, part of Exact Sciences
Classification: Pathogenic for COL7A1-related condition. Last evaluated: 2024-11-20. Review status: criteria provided, single submitter. Criteria: ACMG Guidelines, 2015. Collection method: clinical testing. Allele origin: germline.
Comment: The COL7A1 c.7234C>T variant is predicted to result in premature protein termination (p.Arg2412*). This variant has been reported in the compound heterozygous state in individuals with dystrophic epidermolysis bullosa (Table S5, Chen et al. 2023. PubMed ID: 36287101; Table S1, Tu et al. 2022. PubMed ID: 36578049). This variant is reported in 0.0033% of alleles in individuals of South Asian descent in gnomAD. Nonsense variants in COL7A1 are expected to be pathogenic. This variant is interpreted as pathogenic.

Fulgent Genetics
Classification: Pathogenic for Transient bullous dermolysis of the newborn; Generalized dominant dystrophic epidermolysis bullosa; Pretibial dystrophic epidermolysis bullosa; Dominant dystrophic epidermolysis bullosa with absence of skin; Recessive dystrophic epidermolysis bullosa; Epidermolysis bullosa pruriginosa; Nonsyndromic congenital nail disorder 8. Last evaluated: 2024-06-11. Review status: criteria provided, single submitter. Criteria: ACMG Guidelines, 2015. Collection method: clinical testing. Allele origin: germline.

Myriad Genetics, Inc.
Classification: Pathogenic for Recessive dystrophic epidermolysis bullosa. Last evaluated: 2024-04-19. Review status: criteria provided, single submitter. Criteria: Myriad Autosomal Dominant, Autosomal Recessive and X-Linked Classification Criteria (2023). Collection method: clinical testing. Allele origin: unknown.
Comment: NM_000094.3(COL7A1):c.7234C>T(R2412*) is expected to be pathogenic in the context of dystrophic epidermolysis bullosa. This variant is predicted to lead to an abnormal or absent protein product due to the creation of a premature termination codon in COL7A1, a gene where loss-of-function variants are known to be pathogenic. Please note: this variant was assessed in the context of healthy population screening.

GeneDx
Classification: Pathogenic. Last evaluated: 2023-07-17. Review status: criteria provided, single submitter. Criteria: GeneDx Variant Classification Process June 2021. Collection method: clinical testing. Allele origin: germline. Affected: yes.
Comment: Nonsense variant predicted to result in protein truncation or nonsense mediated decay in a gene for which loss of function is a known mechanism of disease; Not observed at significant frequency in large population cohorts (gnomAD); This variant is associated with the following publications: (PMID: 22209565, 32484238, 35420725)

Labcorp Genetics (formerly Invitae), Labcorp
Classification: Pathogenic. Last evaluated: 2023-05-01. Review status: criteria provided, single submitter. Criteria: Invitae Variant Classification Sherloc (09022015). Collection method: clinical testing. Allele origin: germline.
Comment: For these reasons, this variant has been classified as Pathogenic. ClinVar contains an entry for this variant (Variation ID: 620089). This premature translational stop signal has been observed in individual(s) with dystrophic epidermolysis bullosa (PMID: 22209565, 32484238). The frequency data for this variant in the population databases is considered unreliable, as metrics indicate poor data quality at this position in the gnomAD database. This sequence change creates a premature translational stop signal (p.Arg2412*) in the COL7A1 gene. It is expected to result in an absent or disrupted protein product. Loss-of-function variants in COL7A1 are known to be pathogenic (PMID: 16971478).

Department of Human Genetics, Hannover Medical School
Classification: Pathogenic for Recessive dystrophic epidermolysis bullosa. Last evaluated: 2022-07-27. Review status: criteria provided, single submitter. Criteria: ACMG Guidelines, 2015. Collection method: clinical testing. Allele origin: germline. Inheritance: Autosomal recessive inheritance. Affected: yes.

Literature cited by the submitters: PubMed 32484238 (cited by Natera, Inc. and Labcorp Genetics (formerly Invitae), Labcorp); PubMed 27899325 (cited by Natera, Inc.); PubMed 22209565 (cited by Labcorp Genetics (formerly Invitae), Labcorp); PubMed 16971478 (cited by Labcorp Genetics (formerly Invitae), Labcorp).

NM_000094.4(COL7A1):c.7234C>T (p.Arg2412Ter)

Gene: COL7A1 (collagen type VII alpha 1 chain; minus strand). Cytogenetic location: 3p21.31.
Variant type: single nucleotide variant.
Coding change: c.7234C>T on transcript NM_000094.4 (MANE Select); coding-DNA position 7234, C replaced by T.
Protein change: p.Arg2412Ter; replaces arginine 2412 with a stop codon.
Molecular consequence: nonsense.
Genome position (GRCh38, 1-based): chr3:48,570,899, G>A on the plus strand (C>T on the coding strand, the complement: COL7A1 is on the minus strand). VCF-style: chr3-48570899-G-A. GRCh37 (hg19) VCF-style: chr3-48608332-G-A.
Other names: short protein forms R2412*.
Identifiers: ClinVar variation 620089 (VCV000620089.14), dbSNP rs1342522878, ClinGen allele CA352650122.